The following is an entry in ClinVar:

NM_138711.6(PPARG):c.-8-28026A>C

Gene: PPARG (peroxisome proliferator activated receptor gamma; plus strand). Cytogenetic location: 3p25.2.
Variant type: single nucleotide variant.
Coding change: c.-8-28026A>C on transcript NM_138711.6 (MANE Select); 28026 bases into the intron before 8 bases upstream of the start codon, A replaced by C.
Molecular consequence: intron variant.
Genome position (GRCh38, 1-based): chr3:12,351,678, A>C. VCF-style: chr3-12351678-A-C. GRCh37 (hg19) VCF-style: chr3-12393177-A-C.
Other names: c.-8-28026A>C (NM_001354666.3, NM_138712.5, NM_005037.7 and 5 more transcripts); c.-435-28026A>C (NM_001354669.2); c.-9+6784A>C (NM_001374262.3); c.-2-28026A>C (NM_001374266.1, NM_001354670.2); c.82+4A>C (NM_015869.5, NM_001374265.1, NM_001354668.2).
Identifiers: ClinVar variation 2878857 (VCV002878857.3), dbSNP rs756794860, ClinGen allele CA2258032.

ClinVar aggregate classification (germline): Uncertain significance (1 of 4 stars; one submission).

Allele frequency attached by ClinVar (database versions not stated): ExAC 0.00001.
gnomAD v4.1: 2 of 1,601,410 alleles (0.00012%); highest among the groups gnomAD compares: South Asian, 0.0022%; no homozygotes.

Submission:

Labcorp Genetics (formerly Invitae), Labcorp
Classification: Uncertain significance. Last evaluated: 2023-10-07. Review status: criteria provided, single submitter. Criteria: Invitae Variant Classification Sherloc (09022015). Collection method: clinical testing. Allele origin: germline.
Comment: This sequence change falls in intron 1 of the PPARG gene. It does not directly change the encoded amino acid sequence of the PPARG protein. It affects a nucleotide within the consensus splice site. This variant is present in population databases (rs756794860, gnomAD 0.006%). This variant has not been reported in the literature in individuals affected with PPARG-related conditions. Variants that disrupt the consensus splice site are a relatively common cause of aberrant splicing (PMID: 17576681, 9536098). Algorithms developed to predict the effect of sequence changes on RNA splicing suggest that this variant is not likely to affect RNA splicing. In summary, the available evidence is currently insufficient to determine the role of this variant in disease. Therefore, it has been classified as a Variant of Uncertain Significance.

Literature cited by the submitters: PubMed 17576681; PubMed 9536098.